The following is an entry in ClinVar:

ClinVar aggregate classification (germline): Likely benign. Review status: criteria provided, multiple submitters, no conflicts (2 of 4 stars). 3 submissions from 3 submitters: Likely benign (2). 1 of the submissions does not count toward it. Last evaluated 2024-11-13.

Conditions:
SPTB-related disorder. Also called: SPTB-Related Disorders; SPTB-related condition.

Allele frequency attached by ClinVar (database versions not stated): gnomAD exomes 0.00013 and 0.00037; ExAC 0.00040; 1000 Genomes Project 0.00060; 1000 Genomes Project 30x 0.00078; gnomAD 0.00133 and 0.00149; TOPMed 0.00172; ESP Exome Variant Server 0.00224.

Submissions (3):

Blueprint Genetics
Classification: Likely benign. Last evaluated: 2024-11-13. Review status: criteria provided, single submitter. Criteria: ACMG Guidelines, 2015. Collection method: clinical testing. Allele origin: germline.

ARUP Laboratories, Molecular Genetics and Genomics, ARUP Laboratories
Classification: Likely benign. Last evaluated: 2024-06-06. Review status: criteria provided, single submitter. Criteria: ARUP Molecular Germline Variant Investigation Process 2024. Collection method: clinical testing. Allele origin: germline.

PreventionGenetics, part of Exact Sciences
Classification: Likely benign for SPTB-related condition. Last evaluated: 2021-12-31. Review status: no assertion criteria provided. Collection method: clinical testing. Allele origin: germline. Not counted in ClinVar's aggregate classification.
Comment: This variant is classified as likely benign based on ACMG/AMP sequence variant interpretation guidelines (Richards et al. 2015 PMID: 25741868, with internal and published modifications).

NM_001355436.2(SPTB):c.6346-13dup

Gene: SPTB (spectrin beta, erythrocytic; minus strand). Cytogenetic location: 14q23.3.
Variant type: Duplication.
Coding change: c.6346-13dup on transcript NM_001355436.2 (MANE Select); 13 bases into the intron before coding-DNA position 6346, one base duplicated (A; older notation c.6346-13dupA).
Molecular consequence: intron variant.
Genome position (GRCh38, 1-based): chr14:64,753,806, T duplicated on the plus strand (A on the coding strand, the reverse complement: SPTB is on the minus strand). VCF-style (leftmost placement, unchanged base first): chr14-64753805-A-AT. GRCh37 (hg19) VCF-style: chr14-65220523-A-AT.
Other names: c.6346-13dup (NM_001024858.4); c.6346-13dupA (NM_001024858.2).
Identifiers: ClinVar variation 1330802 (VCV001330802.11), dbSNP rs555587693, ClinGen allele CA7229595.